The following is an entry in ClinVar:

ClinVar aggregate classification (germline): Uncertain significance. Review status: criteria provided, multiple submitters, no conflicts (2 of 4 stars). 3 submissions from 3 submitters: Uncertain significance (3). Last evaluated 2024-10-24.

Conditions:
TREM2-related disorder. Also called: TREM2-related condition.
Polycystic lipomembranous osteodysplasia with sclerosing leukoencephalopathy 2. Also called: TREM2-Related Polycystic Lipomembranous Osteodysplasia with Sclerosing Leukoencephalopathy. Identifiers: MedGen C4748657, MONDO:0020750, OMIM 618193.

Allele frequency attached by ClinVar (database versions not stated): gnomAD exomes 0.00008 and 0.00014; gnomAD 0.00010 and 0.00013; 1000 Genomes Project 30x 0.00016; ExAC 0.00017; TOPMed 0.00019; 1000 Genomes Project 0.00020; ESP Exome Variant Server 0.00023.
gnomAD v4.1: 132 of 1,614,172 alleles (0.0082%); highest among the groups gnomAD compares: East Asian, 0.15%; 2 homozygotes.

Submissions (3):

PreventionGenetics, part of Exact Sciences
Classification: Uncertain significance for TREM2-related condition. Last evaluated: 2024-10-24. Review status: criteria provided, single submitter. Criteria: ACMG Guidelines, 2015. Collection method: clinical testing. Allele origin: germline.
Comment: The TREM2 c.574G>A variant is predicted to result in the amino acid substitution p.Ala192Thr. This variant has also been reported in an individual with semantic variant of primary progressive aphasia and segregated with the phenotype in this family (Ji MJ et al 2020. PubMed ID: 32319261). Functional studies have shown that this variant significantly altered cell surface expression of the TREM2 protein (Bonham et al 2017. PubMed ID: 28376694). However, this variant is reported in 36 out of 282,812 alleles in gnomAD including 2 homozygotes. Although we suspect that this variant may be pathogenic, at this time, the clinical significance of this variant is uncertain due to the absence of conclusive functional and genetic evidence.

Labcorp Genetics (formerly Invitae), Labcorp
Classification: Uncertain significance. Last evaluated: 2022-05-03. Review status: criteria provided, single submitter. Criteria: Invitae Variant Classification Sherloc (09022015). Collection method: clinical testing. Allele origin: germline.
Comment: This sequence change replaces alanine, which is neutral and non-polar, with threonine, which is neutral and polar, at codon 192 of the TREM2 protein (p.Ala192Thr). This variant is present in population databases (rs150277350, gnomAD 0.05%). This missense change has been observed in individual(s) with Alzheimer disease and/or primary progressive aphasia (PMID: 27067662, 28376694, 31217084, 32319261). ClinVar contains an entry for this variant (Variation ID: 904021). Algorithms developed to predict the effect of missense changes on protein structure and function output the following: SIFT: "Tolerated"; PolyPhen-2: "Benign"; Align-GVGD: "Class C0". The threonine amino acid residue is found in multiple mammalian species, which suggests that this missense change does not adversely affect protein function. Experimental studies have shown that this missense change affects TREM2 function (PMID: 28376694). In summary, the available evidence is currently insufficient to determine the role of this variant in disease. Therefore, it has been classified as a Variant of Uncertain Significance.

Illumina Laboratory Services, Illumina
Classification: Uncertain significance for Polycystic lipomembranous osteodysplasia with sclerosing leukoencephalopathy 2. Last evaluated: 2017-06-23. Review status: criteria provided, single submitter. Criteria: ICSL Variant Classification Criteria 13 December 2019. Collection method: clinical testing. Allele origin: germline.
Comment: This variant was observed as part of a predisposition screen in an ostensibly healthy population. A literature search was performed for the gene, cDNA change, and amino acid change (where applicable). Publications were found based on this search. However, the evidence from the literature, in combination with allele frequency data from public databases where available, was not sufficient to rule this variant in or out of causing disease. Therefore, this variant is classified as a variant of unknown significance.

Literature cited by the submitters: PubMed 27067662 (cited by Labcorp Genetics (formerly Invitae), Labcorp and Illumina Laboratory Services, Illumina); PubMed 28376694 (cited by Labcorp Genetics (formerly Invitae), Labcorp and Illumina Laboratory Services, Illumina); PubMed 31217084 (cited by Labcorp Genetics (formerly Invitae), Labcorp); PubMed 32319261 (cited by Labcorp Genetics (formerly Invitae), Labcorp).

NM_018965.4(TREM2):c.574G>A (p.Ala192Thr)

Gene: TREM2 (triggering receptor expressed on myeloid cells 2; minus strand). Cytogenetic location: 6p21.1.
Variant type: single nucleotide variant.
Coding change: c.574G>A on transcript NM_018965.4 (MANE Select); coding-DNA position 574, G replaced by A.
Protein change: p.Ala192Thr; replaces alanine 192 with threonine.
Molecular consequence: missense variant. On other transcripts: intron variant (1).
Genome position (GRCh38, 1-based): chr6:41,158,975, C>T on the plus strand (G>A on the coding strand, the complement: TREM2 is on the minus strand). VCF-style: chr6-41158975-C-T. GRCh37 (hg19) VCF-style: chr6-41126713-C-T.
Other names: c.483-195G>A (NM_001271821.2); short protein forms A192T.
Identifiers: ClinVar variation 904021 (VCV000904021.7), dbSNP rs150277350, ClinGen allele CA3798837.